The following is an entry in ClinVar:

ClinVar aggregate classification (germline): Pathogenic (1 of 4 stars; one submission).

Conditions:
Deficiency of alpha-mannosidase (MANSA). Also called: LYSOSOMAL ALPHA-D-MANNOSIDASE DEFICIENCY; Alpha-Mannosidosis; Mannosidosis, alpha-, types I and II. Identifiers: Orphanet 61, MedGen C0024748, MONDO:0009561, OMIM 248500.

Submission:

Labcorp Genetics (formerly Invitae), Labcorp
Classification: Pathogenic for Deficiency of alpha-mannosidase. Last evaluated: 2022-07-04. Review status: criteria provided, single submitter. Criteria: Invitae Variant Classification Sherloc (09022015). Collection method: clinical testing. Allele origin: germline.
Comment: For these reasons, this variant has been classified as Pathogenic. This variant disrupts a region of the MAN2B1 protein in which other variant(s) (p.Arg916His) have been determined to be pathogenic (PMID: 16919251, 21505070, 22161967). This suggests that this is a clinically significant region of the protein, and that variants that disrupt it are likely to be disease-causing. This variant has not been reported in the literature in individuals affected with MAN2B1-related conditions. This variant is a gross deletion of the genomic region encompassing exon(s) 8-24 of the MAN2B1 gene, which includes the termination codon. This deletion extends beyond the assayed region for this gene and therefore may encompass additional genes. While this deletion is not anticipated to lead to nonsense mediated decay, it is expected to alter mRNA translation or result in a truncated protein product.

Literature cited by the submitters: PubMed 16919251; PubMed 21505070; PubMed 22161967.

NC_000019.9:g.(?_12757424)_(12769334_?)del

Gene: MAN2B1 (mannosidase alpha class 2B member 1; minus strand). Cytogenetic location: 19p13.2.
Variant type: Deletion.
Identifiers: ClinVar variation 2423229 (VCV002423229.4).